The following is an entry in ClinVar:

NM_001267550.2(TTN):c.81518del (p.Pro27173fs)

Genes: TTN (titin; minus strand), TTN-AS1 (TTN antisense RNA 1; plus strand). Cytogenetic location: 2q31.2.
Variant type: Deletion.
Coding change: c.81518del on transcript NM_001267550.2 (MANE Select); coding-DNA position 81518, one base deleted (C; older notation c.81518delC).
Protein change: p.Pro27173fs; shifts the reading frame from proline 27173.
Molecular consequence: frameshift variant.
Genome position (GRCh38, 1-based): chr2:178,564,614, G deleted on the plus strand (C on the coding strand, the reverse complement: TTN is on the minus strand); the first of 3 consecutive G bases (chr2:178,564,614-178,564,616); deleting any one gives the same sequence. VCF-style (leftmost placement, unchanged base first): chr2-178564613-TG-T. GRCh37 (hg19) VCF-style: chr2-179429340-TG-T.
Other names: c.76595del, p.Pro25532fs (NM_001256850.1); c.54323del, p.Pro18108fs (NM_003319.4); c.73814del, p.Pro24605fs (NM_133378.4); c.54698del, p.Pro18233fs (NM_133432.3); c.54899del, p.Pro18300fs (NM_133437.4); c.81518delC (LRG_391t1); short protein forms P18233fs, P18300fs, P24605fs, P25532fs, P18108fs, P27173fs.
Identifiers: ClinVar variation 223321 (VCV000223321.1), dbSNP rs869312079, ClinGen allele CA353040.
Genomic context (GRCh38, chr2:178,564,613, plus strand): 5'-TTTCTTCCATTTCAGTGTGACATTGTTTCTTGTAATAACAATGGCTTCAGGGCGACCAGG[TG>T]GGTCACATGGATCACGAGCAACAAAGCATTCTGACACTTTGCTAGGCTTGCCAATGCCAA-3'

ClinVar aggregate classification (germline): Likely pathogenic (1 of 4 stars; one submission).

Conditions:
Primary dilated cardiomyopathy (DCM). Also called: Dilated Cardiomyopathy. Identifiers: Orphanet 217604, MedGen C0007193, MeSH D002311, MONDO:0005021, HP:0001644. Inheritance: Various modes of inheritance.

Submission:

Cardiovascular Biomedical Research Unit, Royal Brompton & Harefield NHS Foundation Trust
Classification: Likely pathogenic for Primary dilated cardiomyopathy. Last evaluated: 2014-10-08. Review status: criteria provided, single submitter. Criteria: Roberts et al. 2015. Collection method: research. Allele origin: germline. Inheritance: Autosomal dominant inheritance. Affected: yes. Observed: 1 variant allele. Study: Endstage DCM.
Comment: In the seven cohorts assessed, TTNtv were found in 14% of ambulant DCM, 22% end-stage or familial DCM, and 2% controls. Heterozygous nonsense, frameshift and canonical splice-disrupting variants found in constitutive and other highly utilised exons are highly likely to be pathogenic when identified in individuals with phenotypically confirmed DCM. TTNtv found incidentally in healthy individuals (excluding familial assessment of DCM relatives) are thought to have low penetrance, particularly when identified in exons that are not constitutively expressed in the heart.